The following is an entry in ClinVar:

ClinVar aggregate classification (germline): Pathogenic (1 of 4 stars; one submission).

gnomAD v4.1: 1 of 1,614,056 alleles (0.000062%); highest among the groups gnomAD compares: Non-Finnish European, 0.000085%; no homozygotes.

Submission:

GeneDx
Classification: Pathogenic. Last evaluated: 2024-11-06. Review status: criteria provided, single submitter. Criteria: GeneDx Variant Classification Process June 2021. Collection method: clinical testing. Allele origin: germline. Affected: yes.
Comment: Nonsense variant predicted to result in protein truncation or nonsense mediated decay in a gene for which loss of function is a known mechanism of disease; Not observed at significant frequency in large population cohorts (gnomAD); This variant is associated with the following publications: (PMID: 35229910)

NM_001845.6(COL4A1):c.1186C>T (p.Arg396Ter)

Gene: COL4A1 (collagen type IV alpha 1 chain; minus strand). Cytogenetic location: 13q34.
Variant type: single nucleotide variant.
Coding change: c.1186C>T on transcript NM_001845.6 (MANE Select); coding-DNA position 1186, C replaced by T.
Protein change: p.Arg396Ter; replaces arginine 396 with a stop codon.
Molecular consequence: nonsense.
Genome position (GRCh38, 1-based): chr13:110,198,566, G>A on the plus strand (C>T on the coding strand, the complement: COL4A1 is on the minus strand). VCF-style: chr13-110198566-G-A. GRCh37 (hg19) VCF-style: chr13-110850913-G-A.
Other names: c.1186C>T, p.Arg396Ter (NM_001303110.2); short protein forms R396*.
Identifiers: ClinVar variation 3898884 (VCV003898884.1).